The following is an entry in ClinVar:

NM_002585.4(PBX1):c.1026C>T (p.Asn342=)

Gene: PBX1 (PBX homeobox 1; plus strand). Cytogenetic location: 1q23.3.
Variant type: single nucleotide variant.
Coding change: c.1026C>T on transcript NM_002585.4 (MANE Select); coding-DNA position 1026, C replaced by T.
Protein change: p.Asn342=; no amino-acid change (asparagine 342 retained).
Molecular consequence: synonymous variant. On other transcripts: intron variant (2).
Genome position (GRCh38, 1-based): chr1:164,820,100, C>T. VCF-style: chr1-164820100-C-T. GRCh37 (hg19) VCF-style: chr1-164789337-C-T.
Other names: c.1026C>T, p.Asn342= (NM_001204963.2); c.777C>T, p.Asn259= (NM_001353130.1); c.998-1437C>T (NM_001353131.2, NM_001204961.2).
Identifiers: ClinVar variation 3771334 (VCV003771334.13).

ClinVar aggregate classification (germline): Uncertain significance (1 of 4 stars; one submission).

Submission:

CeGaT Center for Human Genetics Tuebingen
Classification: Uncertain significance. Last evaluated: 2025-02-01. Review status: criteria provided, single submitter. Criteria: CeGaT Center For Human Genetics Tuebingen Variant Classification Criteria Version 2. Collection method: clinical testing. Allele origin: germline. Affected: yes. Observed: 1 variant allele.
Comment: PBX1: PM2:Supporting, BP4